The following is an entry in ClinVar:

ClinVar aggregate classification (germline): Pathogenic (1 of 4 stars; one submission).

Conditions:
Hereditary cancer-predisposing syndrome. Also called: Neoplastic Syndromes, Hereditary; Tumor predisposition; Hereditary Cancer Syndrome; Hereditary neoplastic syndrome. Identifiers: Orphanet 140162, MedGen C0027672, MeSH D009386, MONDO:0015356.

Submission:

Ambry Genetics
Classification: Pathogenic for Hereditary cancer-predisposing syndrome. Last evaluated: 2017-08-28. Review status: criteria provided, single submitter. Criteria: Ambry Variant Classification Scheme 2023. Collection method: clinical testing. Allele origin: germline.
Comment: The c.325delC pathogenic mutation, located in coding exon 3 of the BMPR1A gene, results from a deletion of one nucleotide at nucleotide position 325, causing a translational frameshift with a predicted alternate stop codon (p.Q109Sfs*14). This alteration is expected to result in loss of function by premature protein truncation or nonsense-mediated mRNA decay. As such, this alteration is interpreted as a disease-causing mutation.

NM_004329.3(BMPR1A):c.325del (p.Gln109fs)

Gene: BMPR1A (bone morphogenetic protein receptor type 1A; plus strand). Cytogenetic location: 10q23.2.
Variant type: Deletion.
Coding change: c.325del on transcript NM_004329.3 (MANE Select); coding-DNA position 325, one base deleted (C; older notation c.325delC).
Protein change: p.Gln109fs; shifts the reading frame from glutamine 109.
Molecular consequence: frameshift variant.
Genome position (GRCh38, 1-based): chr10:86,892,221, C deleted. VCF-style (leftmost placement, unchanged base first): chr10-86892220-TC-T. GRCh37 (hg19) VCF-style: chr10-88651977-TC-T.
Other names: c.325delC (NM_004329.2); short protein forms Q109fs.
Identifiers: ClinVar variation 482882 (VCV000482882.5), dbSNP rs1554888329, ClinGen allele CA658657974.